The following is an entry in ClinVar:

NM_002354.3(EPCAM):c.29G>A (p.Gly10Glu)

Gene: EPCAM (epithelial cell adhesion molecule; plus strand). Cytogenetic location: 2p21.
Variant type: single nucleotide variant.
Coding change: c.29G>A on transcript NM_002354.3 (MANE Select); coding-DNA position 29, G replaced by A.
Protein change: p.Gly10Glu; replaces glycine 10 with glutamic acid.
Molecular consequence: missense variant.
Genome position (GRCh38, 1-based): chr2:47,369,534, G>A. VCF-style: chr2-47369534-G-A. GRCh37 (hg19) VCF-style: chr2-47596673-G-A.
Other names: short protein forms G10E.
Identifiers: ClinVar variation 4249678 (VCV004249678.1).

ClinVar aggregate classification (germline): Uncertain significance (1 of 4 stars; one submission).

Conditions:
Hereditary cancer-predisposing syndrome. Also called: Hereditary Cancer Syndrome; Hereditary neoplastic syndrome; Neoplastic Syndromes, Hereditary; Tumor predisposition. Identifiers: Orphanet 140162, MedGen C0027672, MeSH D009386, MONDO:0015356.

Submission:

Ambry Genetics
Classification: Uncertain significance for Hereditary cancer-predisposing syndrome. Last evaluated: 2025-06-28. Review status: criteria provided, single submitter. Criteria: Ambry Variant Classification Scheme 2023. Collection method: clinical testing. Allele origin: germline.
Comment: The p.G10E variant (also known as c.29G>A), located in coding exon 1 of the EPCAM gene, results from a G to A substitution at nucleotide position 29. The glycine at codon 10 is replaced by glutamic acid, an amino acid with similar properties. This amino acid position is conserved. In addition, the in silico prediction for this alteration is inconclusive. Based on the available evidence, the clinical significance of this variant remains unclear.